The following is an entry in ClinVar:

NM_000257.4(MYH7):c.1807G>A (p.Glu603Lys)

Gene: MYH7 (myosin heavy chain 7; minus strand). Cytogenetic location: 14q11.2.
Variant type: single nucleotide variant.
Coding change: c.1807G>A on transcript NM_000257.4 (MANE Select); coding-DNA position 1807, G replaced by A.
Protein change: p.Glu603Lys; replaces glutamic acid 603 with lysine.
Molecular consequence: missense variant.
Genome position (GRCh38, 1-based): chr14:23,427,666, C>T on the plus strand (G>A on the coding strand, the complement: MYH7 is on the minus strand). VCF-style: chr14-23427666-C-T. GRCh37 (hg19) VCF-style: chr14-23896875-C-T.
Other names: short protein forms E603K.
Identifiers: ClinVar variation 862950 (VCV000862950.9), dbSNP rs1038661561, ClinGen allele CA257822131.

ClinVar aggregate classification (germline): Uncertain significance. Review status: criteria provided, multiple submitters, no conflicts (2 of 4 stars). 3 submissions from 3 submitters: Uncertain significance (3). Last evaluated 2025-09-04.

Conditions:
Cardiovascular phenotype. Identifiers: MedGen CN230736.
Hypertrophic cardiomyopathy. Also called: HYPERTROPHIC MYOCARDIOPATHY. Identifiers: Orphanet 217569, MedGen C0007194, MeSH D002312, MONDO:0005045, HP:0001639.

Allele frequency attached by ClinVar (database versions not stated): TOPMed below 0.00001; gnomAD 0.00001; gnomAD exomes 0.00001.
gnomAD v4.1: 3 of 1,614,098 alleles (0.00019%); highest among the groups gnomAD compares: African/African-American, 0.0027%; no homozygotes.

Submissions (3):

Labcorp Genetics (formerly Invitae), Labcorp
Classification: Uncertain significance for Hypertrophic cardiomyopathy. Last evaluated: 2025-09-04. Review status: criteria provided, single submitter. Criteria: Invitae Variant Classification Sherloc (09022015). Collection method: clinical testing. Allele origin: germline.
Comment: This sequence change replaces glutamic acid, which is acidic and polar, with lysine, which is basic and polar, at codon 603 of the MYH7 protein (p.Glu603Lys). This variant is present in population databases (no rsID available, gnomAD 0.007%). This missense change has been observed in individual(s) with hypertrophic cardiomyopathy (PMID: 27247418). ClinVar contains an entry for this variant (Variation ID: 862950). Invitae Evidence Modeling of protein sequence and biophysical properties (such as structural, functional, and spatial information, amino acid conservation, physicochemical variation, residue mobility, and thermodynamic stability) indicates that this missense variant is expected to disrupt MYH7 protein function with a positive predictive value of 95%. This variant is found within a region of MYH7 between codons 181 and 937 that contains the majority of the myosin head domain. Missense variants in this region have been shown to be significantly overrepresented in individuals with hypertrophic cardiomyopathy (PMID: 27532257). In summary, the available evidence is currently insufficient to determine the role of this variant in disease. Therefore, it has been classified as a Variant of Uncertain Significance.

Ambry Genetics
Classification: Uncertain significance for Cardiovascular phenotype. Last evaluated: 2025-07-31. Review status: criteria provided, single submitter. Criteria: Ambry Variant Classification Scheme 2023. Collection method: clinical testing. Allele origin: germline.
Comment: The p.E603K variant (also known as c.1807G>A), located in coding exon 14 of the MYH7 gene, results from a G to A substitution at nucleotide position 1807. The glutamic acid at codon 603 is replaced by lysine, an amino acid with similar properties. This alteration is located in the myosin head domain, which contains a statistically significant clustering of pathogenic missense variants (Homburger JR et al. Proc Natl Acad Sci U S A, 2016 06;113:6701-6; Walsh R et al. Genet Med, 2017 02;19:192-203; Ambry internal data). Additionally, this alteration has been reported in a hypertrophic cardiomyopathy (HCM) cohort; however, clinical details were limited (Homburger JR et al. Proc Natl Acad Sci U S A, 2016 06;113:6701-6). This amino acid position is well conserved in available vertebrate species. In addition, this alteration is predicted to be deleterious by in silico analysis. Based on the available evidence, the clinical significance of this variant remains unclear.

Revvity Omics, Revvity
Classification: Uncertain significance. Last evaluated: 2024-09-25. Review status: criteria provided, single submitter. Criteria: ACMG Guidelines, 2015. Collection method: clinical testing. Allele origin: germline.

Literature cited by the submitters: PubMed 27247418 (cited by Labcorp Genetics (formerly Invitae), Labcorp and Ambry Genetics); PubMed 27532257 (cited by Labcorp Genetics (formerly Invitae), Labcorp).